The following is an entry in ClinVar:

NM_000051.4(ATM):c.9002G>C (p.Ser3001Thr)

Genes: ATM (ATM serine/threonine kinase; plus strand), C11orf65 (chromosome 11 open reading frame 65; minus strand). Cytogenetic location: 11q22.3.
Variant type: single nucleotide variant.
Coding change: c.9002G>C on transcript NM_000051.4 (MANE Select); coding-DNA position 9002, G replaced by C.
Protein change: p.Ser3001Thr; replaces serine 3001 with threonine.
Molecular consequence: missense variant. On other transcripts: intron variant (2).
Genome position (GRCh38, 1-based): chr11:108,365,339, G>C. VCF-style: chr11-108365339-G-C. GRCh37 (hg19) VCF-style: chr11-108236066-G-C.
Other names: c.9002G>C, p.Ser3001Thr (NM_001351834.2); c.640+20581C>G (NM_001330368.2); c.694+20581C>G (NM_001351110.2); short protein forms S3001T.
Identifiers: ClinVar variation 140981 (VCV000140981.16), dbSNP rs587781413, ClinGen allele CA164104.

ClinVar aggregate classification (germline): Uncertain significance. Review status: criteria provided, multiple submitters, no conflicts (2 of 4 stars). 2 submissions from 2 submitters: Uncertain significance (2). Last evaluated 2025-04-07.

Conditions:
Hereditary cancer-predisposing syndrome. Also called: Neoplastic Syndromes, Hereditary; Hereditary Cancer Syndrome; Tumor predisposition; Hereditary neoplastic syndrome. Identifiers: Orphanet 140162, MedGen C0027672, MeSH D009386, MONDO:0015356.
Ataxia-telangiectasia syndrome (AT). Also called: Ataxia-telangiectasia, complementation group D; AT, COMPLEMENTATION GROUP C; Ataxia-telangiectasia; ATAXIA-TELANGIECTASIA, COMPLEMENTATION GROUP A; ATAXIA-TELANGIECTASIA, FRESNO VARIANT; Ataxia-telangiectasia, complementation group E. Identifiers: Orphanet 100, MedGen C0004135, MONDO:0008840, OMIM 208900.

gnomAD v4.1: 1 of 1,614,216 alleles (0.000062%); highest among the groups gnomAD compares: Non-Finnish European, 0.000085%; no homozygotes.

Submissions (2):

Labcorp Genetics (formerly Invitae), Labcorp
Classification: Uncertain significance for Ataxia-telangiectasia syndrome. Last evaluated: 2025-04-07. Review status: criteria provided, single submitter. Criteria: Invitae Variant Classification Sherloc (09022015). Collection method: clinical testing. Allele origin: germline.
Comment: This sequence change replaces serine, which is neutral and polar, with threonine, which is neutral and polar, at codon 3001 of the ATM protein (p.Ser3001Thr). This variant is not present in population databases (gnomAD no frequency). This variant has not been reported in the literature in individuals affected with ATM-related conditions. ClinVar contains an entry for this variant (Variation ID: 140981). Invitae Evidence Modeling of protein sequence and biophysical properties (such as structural, functional, and spatial information, amino acid conservation, physicochemical variation, residue mobility, and thermodynamic stability) indicates that this missense variant is not expected to disrupt ATM protein function with a negative predictive value of 95%. In summary, the available evidence is currently insufficient to determine the role of this variant in disease. Therefore, it has been classified as a Variant of Uncertain Significance.

Ambry Genetics
Classification: Uncertain significance for Hereditary cancer-predisposing syndrome. Last evaluated: 2018-11-08. Review status: criteria provided, single submitter. Criteria: Ambry Variant Classification Scheme 2023. Collection method: clinical testing. Allele origin: germline.
Comment: The p.S3001T variant (also known as c.9002G>C), located in coding exon 62 of the ATM gene, results from a G to C substitution at nucleotide position 9002. The serine at codon 3001 is replaced by threonine, an amino acid with similar properties. This amino acid position is well conserved in available vertebrate species. In addition, this alteration is predicted to be tolerated by in silico analysis. Since supporting evidence is limited at this time, the clinical significance of this alteration remains unclear.